The following is an entry in ClinVar:

NM_025137.4(SPG11):c.5243C>G (p.Ala1748Gly)

Genes: SPG11 (SPG11 vesicle trafficking associated, spatacsin; minus strand), LOC130056971 (ATAC-STARR-seq lymphoblastoid silent region 6398; plus strand). Cytogenetic location: 15q21.1.
Variant type: single nucleotide variant.
Coding change: c.5243C>G on transcript NM_025137.4 (MANE Select); coding-DNA position 5243, C replaced by G.
Protein change: p.Ala1748Gly; replaces alanine 1748 with glycine.
Molecular consequence: missense variant.
Genome position (GRCh38, 1-based): chr15:44,584,437, G>C on the plus strand (C>G on the coding strand, the complement: SPG11 is on the minus strand). VCF-style: chr15-44584437-G-C. GRCh37 (hg19) VCF-style: chr15-44876635-G-C.
Other names: c.5243C>G, p.Ala1748Gly (NM_001160227.2); short protein forms A1748G.
Identifiers: ClinVar variation 1356397 (VCV001356397.8), dbSNP rs2082716750, ClinGen allele CA392222970.

ClinVar aggregate classification (germline): Uncertain significance (1 of 4 stars; one submission).

Conditions:
Hereditary spastic paraplegia 11. Also called: SPASTIC PARAPLEGIA, AUTOSOMAL RECESSIVE, COMPLICATED, WITH THIN CORPUS CALLOSUM; SPASTIC PARAPLEGIA, AUTOSOMAL RECESSIVE, WITH MENTAL IMPAIRMENT AND THIN CORPUS CALLOSUM; Spastic Paraplegia 11; Nakamura Osame syndrome; Autosomal recessive hereditary spastic paraplegia, mental impairment, and thin corpus callosum; Spastic paraplegia, mental retardation and thin corpus callosum. Identifiers: Orphanet 2822, MedGen C1858479, MONDO:0011445, OMIM 604360.

Allele frequency attached by ClinVar (database versions not stated): gnomAD exomes below 0.00001; TOPMed below 0.00001.
gnomAD v4.1: 1 of 1,614,226 alleles (0.000062%); highest among the groups gnomAD compares: Non-Finnish European, 0.000085%; no homozygotes.

Submission:

Labcorp Genetics (formerly Invitae), Labcorp
Classification: Uncertain significance for Hereditary spastic paraplegia 11. Last evaluated: 2025-06-20. Review status: criteria provided, single submitter. Criteria: Invitae Variant Classification Sherloc (09022015). Collection method: clinical testing. Allele origin: germline.
Comment: This sequence change replaces alanine, which is neutral and non-polar, with glycine, which is neutral and non-polar, at codon 1748 of the SPG11 protein (p.Ala1748Gly). This variant is not present in population databases (gnomAD no frequency). This variant has not been reported in the literature in individuals affected with SPG11-related conditions. ClinVar contains an entry for this variant (Variation ID: 1356397). Invitae Evidence Modeling of protein sequence and biophysical properties (such as structural, functional, and spatial information, amino acid conservation, physicochemical variation, residue mobility, and thermodynamic stability) indicates that this missense variant is expected to disrupt SPG11 protein function with a positive predictive value of 80%. In summary, the available evidence is currently insufficient to determine the role of this variant in disease. Therefore, it has been classified as a Variant of Uncertain Significance.